The following is an entry in ClinVar:

NM_001348716.2(KDM6B):c.4819C>G (p.Arg1607Gly)

Gene: KDM6B (lysine demethylase 6B; plus strand). Cytogenetic location: 17p13.1.
Variant type: single nucleotide variant.
Coding change: c.4819C>G on transcript NM_001348716.2 (MANE Select); coding-DNA position 4819, C replaced by G.
Protein change: p.Arg1607Gly; replaces arginine 1607 with glycine.
Molecular consequence: missense variant.
Genome position (GRCh38, 1-based): chr17:7,853,291, C>G. VCF-style: chr17-7853291-C-G. GRCh37 (hg19) VCF-style: chr17-7756609-C-G.
Other names: c.4819C>G, p.Arg1607Gly (NM_001080424.2); short protein forms R1607G.
Identifiers: ClinVar variation 2662387 (VCV002662387.1), dbSNP rs2544536924, ClinGen allele CA397928685.
Genomic context (GRCh38, chr17:7,853,291, plus strand): 5'-TTCGTGACAAGTGAGAATGGCAGCCGCAACACGTACCTGGTACACTGCGAGGGCTGTGCC[C>G]GGCGCCGCAGCGCAGGCCTGCAGGGCGTGGTGGTGCTGGAGCAGTACCGCACTGAGGAGC-3'
Protein context (NP_001335645.1, residues 1597-1617): TYLVHCEGCA[Arg1607Gly]RRSAGLQGVV

ClinVar aggregate classification (germline): Uncertain significance (1 of 4 stars; one submission).

Allele frequency attached by ClinVar (database versions not stated): gnomAD exomes below 0.00001.
gnomAD v4.1: 1 of 1,605,408 alleles (0.000062%); highest among the groups gnomAD compares: Non-Finnish European, 0.000085%; no homozygotes.

Submission:

GeneDx
Classification: Uncertain significance. Last evaluated: 2023-05-18. Review status: criteria provided, single submitter. Criteria: GeneDx Variant Classification Process June 2021. Collection method: clinical testing. Allele origin: germline. Affected: yes.
Comment: Not observed at significant frequency in large population cohorts (gnomAD); In silico analysis supports that this missense variant has a deleterious effect on protein structure/function; Has not been previously published as pathogenic or benign to our knowledge